The following is an entry in ClinVar:

ClinVar aggregate classification (germline): Benign/Likely benign. Review status: criteria provided, multiple submitters, no conflicts (2 of 4 stars). 3 submissions from 3 submitters: Benign (1); Likely benign (2). Last evaluated 2025-12-09.

Allele frequency attached by ClinVar (database versions not stated): gnomAD exomes 0.00006; gnomAD 0.00013; TOPMed 0.00014; ExAC 0.00015; ESP Exome Variant Server 0.00023.
gnomAD v4.1: 110 of 1,606,734 alleles (0.0068%); highest among the groups gnomAD compares: Middle Eastern, 0.12%; 1 homozygote.

Submissions (3):

Labcorp Genetics (formerly Invitae), Labcorp
Classification: Benign. Last evaluated: 2025-12-09. Review status: criteria provided, single submitter. Criteria: Invitae Variant Classification Sherloc (09022015). Collection method: clinical testing. Allele origin: germline.

Blueprint Genetics
Classification: Likely benign. Last evaluated: 2024-10-22. Review status: criteria provided, single submitter. Criteria: ACMG Guidelines, 2015. Collection method: clinical testing. Allele origin: germline.

CeGaT Center for Human Genetics Tuebingen
Classification: Likely benign. Last evaluated: 2024-03-01. Review status: criteria provided, single submitter. Criteria: CeGaT Center For Human Genetics Tuebingen Variant Classification Criteria Version 2. Collection method: clinical testing. Allele origin: germline. Affected: yes. Observed: 1 variant allele.
Comment: KMT2E: BP4, BP7

NM_182931.3(KMT2E):c.75A>G (p.Pro25=)

Gene: KMT2E (lysine methyltransferase 2E (inactive); plus strand). Cytogenetic location: 7q22.3.
Variant type: single nucleotide variant.
Coding change: c.75A>G on transcript NM_182931.3 (MANE Select); coding-DNA position 75, A replaced by G.
Protein change: p.Pro25=; no amino-acid change (proline 25 retained).
Molecular consequence: synonymous variant.
Genome position (GRCh38, 1-based): chr7:105,062,167, A>G. VCF-style: chr7-105062167-A-G. GRCh37 (hg19) VCF-style: chr7-104702614-A-G.
Other names: c.75A>G, p.Pro25= (NM_001410908.1, NM_018682.4).
Identifiers: ClinVar variation 2155328 (VCV002155328.26), dbSNP rs138149088, ClinGen allele CA4423611.